The following is an entry in ClinVar:

NM_015295.3(SMCHD1):c.3784_3788del (p.Trp1262fs)

Gene: SMCHD1 (structural maintenance of chromosomes flexible hinge domain containing 1; plus strand). Cytogenetic location: 18p11.32.
Variant type: Deletion.
Coding change: c.3784_3788del on transcript NM_015295.3 (MANE Select); coding-DNA positions 3784 to 3788, 5 bases deleted (TGGCC; older notation c.3784_3788delTGGCC).
Protein change: p.Trp1262fs; shifts the reading frame from tryptophan 1262.
Molecular consequence: frameshift variant.
Genome position (GRCh38, 1-based): chr18:2,743,911-2,743,915, TGGCC deleted; deleting any 5 consecutive bases within chr18:2,743,910-2,743,915 gives the same sequence; the c. name uses the placement nearest the transcript's 3' end. VCF-style (leftmost placement, unchanged base first): chr18-2743909-ACTGGC-A. GRCh37 (hg19) VCF-style: chr18-2743907-ACTGGC-A.
Other names: short protein forms W1262fs.
Identifiers: ClinVar variation 2075369 (VCV002075369.4), dbSNP rs2510110238, ClinGen allele CA2580095393.

ClinVar aggregate classification (germline): Pathogenic (1 of 4 stars; one submission).

Conditions:
Facioscapulohumeral muscular dystrophy 2 (FSHD2). Also called: MUSCULAR DYSTROPHY, FACIOSCAPULOHUMERAL, TYPE 1B; FACIOSCAPULOHUMERAL MUSCULAR DYSTROPHY 2, DIGENIC; FSHD2, DIGENIC. Identifiers: Orphanet 269, MedGen C1834671, MONDO:0008031, OMIM 158901.

Submission:

Labcorp Genetics (formerly Invitae), Labcorp
Classification: Pathogenic for Facioscapulohumeral muscular dystrophy 2. Last evaluated: 2022-01-05. Review status: criteria provided, single submitter. Criteria: Invitae Variant Classification Sherloc (09022015). Collection method: clinical testing. Allele origin: germline.
Comment: This variant has not been reported in the literature in individuals affected with SMCHD1-related conditions. For these reasons, this variant has been classified as Pathogenic. This variant is not present in population databases (gnomAD no frequency). This sequence change creates a premature translational stop signal (p.Trp1262Argfs*10) in the SMCHD1 gene. It is expected to result in an absent or disrupted protein product. Loss-of-function variants in SMCHD1 are known to be pathogenic (PMID: 23143600).

Literature cited by the submitters: PubMed 23143600.